The following is an entry in ClinVar:

NM_001348323.3(TRIP12):c.4586T>A (p.Leu1529His)

Gene: TRIP12 (thyroid hormone receptor interactor 12; minus strand). Cytogenetic location: 2q36.3.
Variant type: single nucleotide variant.
Coding change: c.4586T>A on transcript NM_001348323.3 (MANE Select); coding-DNA position 4586, T replaced by A.
Protein change: p.Leu1529His; replaces leucine 1529 with histidine.
Molecular consequence: missense variant.
Genome position (GRCh38, 1-based): chr2:229,789,720, A>T on the plus strand (T>A on the coding strand, the complement: TRIP12 is on the minus strand). VCF-style: chr2-229789720-A-T. GRCh37 (hg19) VCF-style: chr2-230654436-A-T.
Other names: c.4505T>A, p.Leu1502His (NM_001284214.2, NM_001348315.2); c.4460T>A, p.Leu1487His (NM_001284215.2, NM_001348316.2); c.3551T>A, p.Leu1184His (NM_001284216.2); c.4445T>A, p.Leu1482His (NM_001348317.1, NM_001348318.2); c.4571T>A, p.Leu1524His (NM_001348319.1, NM_001348320.2); c.4574T>A, p.Leu1525His (NM_001348321.1); c.4586T>A, p.Leu1529His (NM_001348322.1, NM_001348324.2, NM_001348325.2 and 2 more transcripts); c.4589T>A, p.Leu1530His (NM_001348328.1, NM_001348329.2, NM_001348330.2); and 4 more; short protein forms L1184H, L1454H, L1455H, L1482H, L1487H, L1495H, L1502H, L1503H.
Identifiers: ClinVar variation 4085956 (VCV004085956.8).

ClinVar aggregate classification (germline): Uncertain significance (1 of 4 stars; one submission).

Submission:

CeGaT Center for Human Genetics Tuebingen
Classification: Uncertain significance. Last evaluated: 2025-08-01. Review status: criteria provided, single submitter. Criteria: CeGaT Center For Human Genetics Tuebingen Variant Classification Criteria Version 2. Collection method: clinical testing. Allele origin: germline. Affected: yes. Observed: 1 variant allele.
Comment: TRIP12: PM2